The following is an entry in ClinVar:

ClinVar aggregate classification (germline): Conflicting classifications of pathogenicity. Review status: criteria provided, conflicting classifications (1 of 4 stars). 4 submissions from 3 submitters: Uncertain significance (2); Likely benign (2). Last evaluated 2024-10-21.

Conditions:
Noonan syndrome 3 (NS3). Also called: KRAS-Related Noonan Syndrome. Identifiers: Orphanet 648, MedGen C1860991, MONDO:0012371, OMIM 609942.
Acute myeloid leukemia (AML). Also called: Acute myeloid leukemia, adult; AML adult; Acute non-lymphocytic leukemia; Acute granulocytic leukemia; Leukemia, acute myeloid, somatic; Leukemia, acute myelogenous, somatic. Identifiers: Orphanet 519, MedGen C0023467, MeSH D015470, MONDO:0018874, OMIM 601626, HP:0004808. Disease mechanism: Constitutively activated FLT3.
Cardiofaciocutaneous syndrome 2 (CFC2). Also called: KRAS-Related Cardiofaciocutaneous Syndrome. Identifiers: Orphanet 1340, MedGen C3809005, MONDO:0014112, OMIM 615278.
Linear nevus sebaceous syndrome. Also called: Linear nevus sebaceous; SCHIMMELPENNING-FEUERSTEIN-MIMS SYNDROME, SOMATIC MOSAIC; Sebaceous nevus syndrome and hemimegalencephaly; Nevus, Sebaceous of Jadassohn; Linear sebaceous nevus sequence; JADASSOHN NEVUS PHAKOMATOSIS. Identifiers: Orphanet 2612, MedGen C4552097, MONDO:0008097, OMIM 163200, HP:0010817.
Autoimmune lymphoproliferative syndrome type 4. Also called: AUTOIMMUNE LYMPHOPROLIFERATIVE SYNDROME, TYPE IV; RAS-associated autoimmune leukoproliferative disorder. Identifiers: Orphanet 268114, MedGen C2674723, MONDO:0013767, OMIM 614470.
Familial cancer of breast. Also called: Hereditary breast cancer; BREAST CANCER, FAMILIAL; hereditary breast carcinoma. Identifiers: Orphanet 227535, MedGen C0346153, MONDO:0016419, OMIM 114480. Disease mechanism: loss of function.
Carcinoma of pancreas. Also called: Pancreatic cancer, somatic; Pancreatic carcinoma, somatic; Exocrine pancreatic carcinoma; PANCREATIC ACINAR CARCINOMA; PANCREATIC CARCINOMA. Identifiers: Orphanet 1333, Orphanet 217074, MedGen C0235974, MONDO:0005192. Disease mechanism: loss of function.
Gastric cancer. Also called: Stomach cancer; Malignant tumor of stomach. Identifiers: MedGen C0024623, MeSH D013274, MONDO:0001056, OMIM 613659, HP:0012126.
Toriello-Lacassie-Droste syndrome. Identifiers: Orphanet 3339, MedGen C1838329, MONDO:0010854, OMIM 600268.
Cerebral arteriovenous malformation (BAVM). Also called: Arteriovenous malformations of the brain; CEREBRAL ARTERIOVENOUS MALFORMATIONS. Identifiers: Orphanet 46724, MedGen C0917804, MONDO:0007154, OMIM 108010, HP:0002408.
Malignant tumor of urinary bladder. Also called: Urinary bladder cancer; Urinary Bladder Neoplasms; Bladder cancer. Identifiers: MedGen C0005684, MONDO:0001187, OMIM 109800.
Lung cancer. Also called: Lung cancer, somatic; Malignant tumor of lung. Identifiers: MedGen C0242379, MONDO:0008903, OMIM 211980.
RASopathy. Also called: rasopathies; Noonan spectrum disorder. Identifiers: Orphanet 536391, MedGen C5555857, MONDO:0021060.

Allele frequency attached by ClinVar (database versions not stated): gnomAD 0.00001; TOPMed 0.00002; ESP Exome Variant Server 0.00008.
gnomAD v4.1: 9 of 1,613,512 alleles (0.00056%); highest among the groups gnomAD compares: African/African-American, 0.004%; no homozygotes.

Submissions (4):

Labcorp Genetics (formerly Invitae), Labcorp
Classification: Likely benign for RASopathy. Last evaluated: 2024-10-21. Review status: criteria provided, single submitter. Criteria: Invitae Variant Classification Sherloc (09022015). Collection method: clinical testing. Allele origin: germline.

Blueprint Genetics
Classification: Likely benign. Last evaluated: 2022-05-24. Review status: criteria provided, single submitter. Criteria: ACMG Guidelines, 2015. Collection method: clinical testing. Allele origin: germline.

Center for Genomics, Ann and Robert H. Lurie Children's Hospital of Chicago
Classification: Uncertain significance for Gastric cancer; Toriello-Lacassie-Droste syndrome; Familial cancer of breast; Noonan syndrome 3; Autoimmune lymphoproliferative syndrome type 4; Cerebral arteriovenous malformation; Lung cancer; Familial pancreatic carcinoma; Acute myeloid leukemia; Linear nevus sebaceous syndrome; Cardiofaciocutaneous syndrome 2; Malignant tumor of urinary bladder. Last evaluated: 2021-11-23. Review status: criteria provided, single submitter. Criteria: ACMG Guidelines, 2015. Collection method: clinical testing. Allele origin: germline.
Comment: KRAS NM_004985 exon 3 c.112-5C>T: This variant has not been reported in the literature but is present in 1/15268 African alleles in the Genome Aggregation Database. Evolutionary conservation and computational predictive tools for this variant are limited or unavailable. This variant is an intronic variant with no predicted change in the amino acid sequence but may have an unknown effect on splicing. Further studies are needed to understand its impact. In summary, data on this variant is insufficient for disease classification. Therefore, the clinical significance of this variant is uncertain.

Center for Genomics, Ann and Robert H. Lurie Children's Hospital of Chicago
Classification: Uncertain significance for Cardiofaciocutaneous syndrome 2; Acute myeloid leukemia; Noonan syndrome 3; Autoimmune lymphoproliferative syndrome type 4; Linear nevus sebaceous syndrome. Last evaluated: 2018-01-18. Review status: criteria provided, single submitter. Criteria: ACMG Guidelines, 2015. Collection method: clinical testing. Allele origin: germline.
Comment: KRAS NM_004985.4 exon 3 c.112-5C>T: This variant has not been reported in the literature but is present in 1/15268 African alleles in the Genome Aggregation Database. Evolutionary conservation and computational predictive tools for this variant are limited or unavailable. This variant is an intronic variant with no predicted change in the amino acid sequence but may have an unknown effect on splicing. Further studies are needed to understand its impact. In summary, data on this variant is insufficient for disease classification. Therefore, the clinical significance of this variant is uncertain.

NM_033360.4(KRAS):c.112-5C>T

Gene: KRAS (KRas proto-oncogene, GTPase; minus strand). Cytogenetic location: 12p12.1.
Variant type: single nucleotide variant.
Coding change: c.112-5C>T on transcript NM_033360.4 (MANE Plus Clinical); 5 bases into the intron before coding-DNA position 112, C replaced by T.
Molecular consequence: intron variant.
Genome position (GRCh38, 1-based): chr12:25,227,417, G>A on the plus strand (C>T on the coding strand, the complement: KRAS is on the minus strand). VCF-style: chr12-25227417-G-A. GRCh37 (hg19) VCF-style: chr12-25380351-G-A.
Other names: c.112-5C>T (LRG_344t1, NM_001369787.1, NM_001369786.1 and 2 more transcripts).
Identifiers: ClinVar variation 626130 (VCV000626130.11), dbSNP rs376520586, ClinGen allele CA6486914.